The following is an entry in ClinVar:

ClinVar aggregate classification (germline): Conflicting classifications of pathogenicity. Review status: criteria provided, conflicting classifications (1 of 4 stars). 2 submissions from 2 submitters: Uncertain significance (1); Likely benign (1). Last evaluated 2024-05-06.

Conditions:
Hereditary cancer-predisposing syndrome. Also called: Neoplastic Syndromes, Hereditary; Tumor predisposition; Hereditary neoplastic syndrome; Hereditary Cancer Syndrome. Identifiers: Orphanet 140162, MedGen C0027672, MeSH D009386, MONDO:0015356.

Allele frequency attached by ClinVar (database versions not stated): ExAC 0.00001; gnomAD exomes 0.00001.

Submissions (2):

Labcorp Genetics (formerly Invitae), Labcorp
Classification: Uncertain significance for Hereditary cancer-predisposing syndrome. Last evaluated: 2024-05-06. Review status: criteria provided, single submitter. Criteria: Invitae Variant Classification Sherloc (09022015). Collection method: clinical testing. Allele origin: germline.
Comment: This sequence change replaces histidine, which is basic and polar, with glutamine, which is neutral and polar, at codon 309 of the RAD50 protein (p.His309Gln). This variant is present in population databases (rs758239327, gnomAD 0.002%). This variant has not been reported in the literature in individuals affected with RAD50-related conditions. ClinVar contains an entry for this variant (Variation ID: 566857). Advanced modeling of protein sequence and biophysical properties (such as structural, functional, and spatial information, amino acid conservation, physicochemical variation, residue mobility, and thermodynamic stability) performed at Invitae indicates that this missense variant is not expected to disrupt RAD50 protein function with a negative predictive value of 80%. RNA analysis performed to evaluate the impact of this missense change on mRNA splicing indicates it does not significantly alter splicing (Invitae). In summary, the available evidence is currently insufficient to determine the role of this variant in disease. Therefore, it has been classified as a Variant of Uncertain Significance.

Ambry Genetics
Classification: Likely benign for Hereditary cancer-predisposing syndrome. Last evaluated: 2024-03-28. Review status: criteria provided, single submitter. Criteria: Ambry Variant Classification Scheme 2023. Collection method: clinical testing. Allele origin: germline.

NM_005732.4(RAD50):c.927C>G (p.His309Gln)

Gene: RAD50 (RAD50 double strand break repair protein; plus strand). Cytogenetic location: 5q31.1.
Variant type: single nucleotide variant.
Coding change: c.927C>G on transcript NM_005732.4 (MANE Select); coding-DNA position 927, C replaced by G.
Protein change: p.His309Gln; replaces histidine 309 with glutamine.
Molecular consequence: missense variant.
Genome position (GRCh38, 1-based): chr5:132,587,965, C>G. VCF-style: chr5-132587965-C-G. GRCh37 (hg19) VCF-style: chr5-131923657-C-G.
Other names: short protein forms H309Q.
Identifiers: ClinVar variation 566857 (VCV000566857.14), dbSNP rs758239327, ClinGen allele CA3405062.
Genomic context (GRCh38, chr5:132,587,965, plus strand): 5'-TTATTTTGGTGTTACACAGGTTTTTCAAGGGACTGATGAGCAACTAAATGACTTATATCA[C>G]AATCACCAGAGAACAGTAAGGGAGAAAGAAAGGAAATTGGTAGACTGTCATCGTGAACTG-3'
Protein context (NP_005723.2, residues 299-319): GTDEQLNDLY[His309Gln]NHQRTVREKE